The following is an entry in ClinVar:

NM_000138.5(FBN1):c.8008_8009insCACCCTCGGTAACCTGTGTGGTAATA (p.Tyr2670fs)

Gene: FBN1 (fibrillin 1; minus strand). Cytogenetic location: 15q21.1.
Variant type: Insertion.
Coding change: c.8008_8009insCACCCTCGGTAACCTGTGTGGTAATA on transcript NM_000138.5 (MANE Select); coding-DNA positions 8008 to 8009, CACCCTCGGTAACCTGTGTGGTAATA inserted.
Protein change: p.Tyr2670fs; shifts the reading frame from tyrosine 2670.
Molecular consequence: frameshift variant.
Genome position: GRCh38 VCF-style: chr15-48415578-T-TTATTACCACACAGGTTACCGAGGGTG. GRCh37 (hg19) VCF-style: chr15-48707775-T-TTATTACCACACAGGTTACCGAGGGTG.
Other names: short protein forms Y2670fs.
Identifiers: ClinVar variation 1444045 (VCV001444045.1), dbSNP rs2141214637, ClinGen allele CA2573150950.
Genomic context (GRCh38, chr15:48,415,578, plus strand): 5'-AGGAAGAGCACTGCTTACCCTTGGCCTATGCGGAAGTAACCAGGTGGACAGCCACACAGG[T>TTATTACCACACAGGTTACCGAGGGTG]AACCGCCCTCGGTATTGGAACAGCCATAGCTGCAGGGGGCCTGCGCAGAGCCACATTCAT-3'

ClinVar aggregate classification (germline): Pathogenic (1 of 4 stars; one submission).

Conditions:
Marfan syndrome (MFS). Also called: MARFAN SYNDROME, TYPE I; Marfan syndrome type 1; Marfan's syndrome; Marfan syndrome, classic; FBN1-Related Marfan Syndrome. Identifiers: Orphanet 284963, Orphanet 558, MedGen C0024796, MONDO:0007947, OMIM 154700.
Familial thoracic aortic aneurysm and aortic dissection (TAAD). Also called: Thoracic aortic aneurysms and dissections. Identifiers: Orphanet 91387, MedGen C4707243, MONDO:0019625.

Submission:

Labcorp Genetics (formerly Invitae), Labcorp
Classification: Pathogenic for Marfan syndrome; Familial thoracic aortic aneurysm and aortic dissection. Last evaluated: 2021-11-09. Review status: criteria provided, single submitter. Criteria: Invitae Variant Classification Sherloc (09022015). Collection method: clinical testing. Allele origin: germline.
Comment: This sequence change creates a premature translational stop signal (p.Tyr2670Profs*21) in the FBN1 gene. It is expected to result in an absent or disrupted protein product. Loss-of-function variants in FBN1 are known to be pathogenic (PMID: 17657824, 19293843). This variant is not present in population databases (gnomAD no frequency). This variant has not been reported in the literature in individuals affected with FBN1-related conditions. Algorithms developed to predict the effect of sequence changes on RNA splicing suggest that this variant may create or strengthen a splice site. For these reasons, this variant has been classified as Pathogenic.

Literature cited by the submitters: PubMed 17657824; PubMed 19293843.